The following is an entry in ClinVar:

NM_024496.4(IRF2BPL):c.660_662dup (p.Ala223_Ser224insAla)

Gene: IRF2BPL (interferon regulatory factor 2 binding protein like; minus strand). Cytogenetic location: 14q24.3.
Variant type: Duplication.
Coding change: c.660_662dup on transcript NM_024496.4 (MANE Select); coding-DNA positions 660 to 662, 3 bases duplicated (AGC; older notation c.660_662dupAGC).
Protein change: p.Ala223_Ser224insAla.
Molecular consequence: inframe insertion.
Genome position (GRCh38, 1-based): chr14:77,027,131-77,027,133, GCT duplicated on the plus strand (AGC on the coding strand, the reverse complement: IRF2BPL is on the minus strand); duplicating any 3 consecutive bases within chr14:77,027,131-77,027,134 gives the same sequence; the c. name uses the placement nearest the transcript's 3' end. VCF-style (leftmost placement, unchanged base first): chr14-77027130-C-CGCT. GRCh37 (hg19) VCF-style: chr14-77493473-C-CGCT.
Identifiers: ClinVar variation 4996576 (VCV004996576.1).

ClinVar aggregate classification (germline): Uncertain significance (1 of 4 stars; one submission).

Conditions:
IRF2BPL-related disorder. Also called: IRF2BPL-related condition. Identifiers: MedGen CN381093.

Submission:

PreventionGenetics, part of Exact Sciences
Classification: Uncertain significance for IRF2BPL-related condition. Last evaluated: 2025-09-12. Review status: criteria provided, single submitter. Criteria: ACMG Guidelines, 2015. Collection method: clinical testing. Allele origin: germline.
Comment: The IRF2BPL c.660_662dupAGC variant is predicted to result in an in-frame duplication (p.Ala223dup). To our knowledge, this variant has not been reported in the literature or in a large population database (gnomAD), indicating this variant is rare. Overlapping in-frame deletions and duplications in this region are present in the gnomAD database at a frequency that is inconsistent with being undocumented IRF2BPL causative variants. Although we suspect that this variant may be benign, at this time, the clinical significance of this variant is uncertain due to the absence of conclusive functional and genetic evidence.